The following is an entry in ClinVar:

NM_018344.6(SLC29A3):c.195_197del (p.Leu66del)

Gene: SLC29A3 (solute carrier family 29 member 3; plus strand). Cytogenetic location: 10q22.1.
Variant type: Deletion.
Coding change: c.195_197del on transcript NM_018344.6 (MANE Select); coding-DNA positions 195 to 197, 3 bases deleted (ACT; older notation c.195_197delACT).
Protein change: p.Leu66del; deletes leucine 66.
Molecular consequence: 5 prime UTR variant (on NM_001363518.2). On other transcripts: non-coding transcript variant (2).
Genome position (GRCh38, 1-based): chr10:71,322,949-71,322,951, ACT deleted; deleting any 3 consecutive bases within chr10:71,322,947-71,322,951 gives the same sequence; the c. name uses the placement nearest the transcript's 3' end. VCF-style (leftmost placement, unchanged base first): chr10-71322946-TCTA-T. GRCh37 (hg19) VCF-style: chr10-73082703-TCTA-T.
Other names: c.195_197del, p.Leu66del (NM_001174098.2); c.-40_-38del (NM_001363518.2); short protein forms L66del.
Identifiers: ClinVar variation 4797549 (VCV004797549.1).
Genomic context (GRCh38, chr10:71,322,946, plus strand): 5'-GAGGCCCGAGGACCGCTTCTGTGGCACATACATCATCTTCTTCAGCCTGGGCATTGGCAG[TCTA>T]CTGCCATGGAACTTCTTTATCACTGCCAAGGAGTACTGGATGTTCAAACTCCGCAACTCC-3'

ClinVar aggregate classification (germline): Uncertain significance (1 of 4 stars; one submission).

Conditions:
H syndrome. Also called: HISTIOCYTOSIS AND LYMPHADENOPATHY WITH OR WITHOUT CUTANEOUS, CARDIAC, AND/OR ENDOCRINE FEATURES, JOINT CONTRACTURES, AND/OR DEAFNESS; HYPERPIGMENTATION, CUTANEOUS, WITH HYPERTRICHOSIS, HEPATOSPLENOMEGALY, HEART ANOMALIES, AND HYPOGONADISM WITH OR WITHOUT HEARING LOSS; PIGMENTED HYPERTRICHOSIS WITH INSULIN-DEPENDENT DIABETES MELLITUS; ROSAI-DORFMAN DISEASE, FAMILIAL; SINUS HISTIOCYTOSIS AND MASSIVE LYMPHADENOPATHY; Hyperpigmentation, Cutaneous, with Hypertrichosis, Hepatosplenomegaly, Heart Anomalies, Hearing Loss, and Hypogonadism. Identifiers: Orphanet 168569, MedGen C1864445, MONDO:0011273, OMIM 602782.

Submission:

Labcorp Genetics (formerly Invitae), Labcorp
Classification: Uncertain significance for H syndrome. Last evaluated: 2025-10-06. Review status: criteria provided, single submitter. Criteria: Invitae Variant Classification Sherloc (09022015). Collection method: clinical testing. Allele origin: germline.
Comment: This variant, c.195_197del, results in the deletion of 1 amino acid(s) of the SLC29A3 protein (p.Leu66del), but otherwise preserves the integrity of the reading frame. This variant is not present in population databases (gnomAD no frequency). This variant has not been reported in the literature in individuals affected with SLC29A3-related conditions. Experimental studies and prediction algorithms are not available or were not evaluated, and the functional significance of this variant is currently unknown. In summary, the available evidence is currently insufficient to determine the role of this variant in disease. Therefore, it has been classified as a Variant of Uncertain Significance.